The following is an entry in ClinVar:

ClinVar aggregate classification (germline): Likely benign (1 of 4 stars; one submission).

Conditions:
LPP-related disorder. Also called: LPP-related condition.

gnomAD v4.1: 936 of 1,614,210 alleles (0.058%); highest among the groups gnomAD compares: Middle Eastern, 0.38%; 4 homozygotes.

Submission:

PreventionGenetics, part of Exact Sciences
Classification: Likely benign for LPP-related condition. Last evaluated: 2024-10-07. Review status: criteria provided, single submitter. Criteria: ACMG Guidelines, 2015. Collection method: clinical testing. Allele origin: germline.
Comment: This variant is classified as likely benign based on ACMG/AMP sequence variant interpretation guidelines (Richards et al. 2015 PMID: 25741868, with internal and published modifications).

NM_001375462.1(LPP):c.114A>G (p.Thr38=)

Gene: LPP (LIM domain containing preferred translocation partner in lipoma; plus strand). Cytogenetic location: 3q28.
Variant type: single nucleotide variant.
Coding change: c.114A>G on transcript NM_001375462.1 (MANE Select); coding-DNA position 114, A replaced by G.
Protein change: p.Thr38=; no amino-acid change (threonine 38 retained).
Molecular consequence: synonymous variant. On other transcripts: non-coding transcript variant (1).
Genome position (GRCh38, 1-based): chr3:188,406,234, A>G. VCF-style: chr3-188406234-A-G. GRCh37 (hg19) VCF-style: chr3-188124022-A-G.
Other names: c.114A>G, p.Thr38= (NM_001167671.3, NM_001167672.3, NM_001375455.1 and 29 more transcripts).
Identifiers: ClinVar variation 4993098 (VCV004993098.1).